The following is an entry in ClinVar:

ClinVar aggregate classification (germline): Uncertain significance (1 of 4 stars; one submission).

Conditions:
Muscular dystrophy-dystroglycanopathy (congenital with brain and eye anomalies), type A13. Also called: WALKER-WARBURG SYNDROME OR MUSCLE-EYE-BRAIN DISEASE, B3GNT1-RELATED; Muscular dystrophy-dystroglycanopathy (congenital with brain and eye anomalies), type a, 13. Identifiers: Orphanet 899, MedGen C3809042, MONDO:0014120, OMIM 615287.

Submission:

Labcorp Genetics (formerly Invitae), Labcorp
Classification: Uncertain significance for Muscular dystrophy-dystroglycanopathy (congenital with brain and eye anomalies), type A13. Last evaluated: 2022-06-27. Review status: criteria provided, single submitter. Criteria: Invitae Variant Classification Sherloc (09022015). Collection method: clinical testing. Allele origin: germline.
Comment: This sequence change replaces phenylalanine, which is neutral and non-polar, with leucine, which is neutral and non-polar, at codon 260 of the B4GAT1 protein (p.Phe260Leu). This variant is not present in population databases (gnomAD no frequency). This variant has not been reported in the literature in individuals affected with B4GAT1-related conditions. ClinVar contains an entry for this variant (Variation ID: 1009820). Algorithms developed to predict the effect of missense changes on protein structure and function are either unavailable or do not agree on the potential impact of this missense change (SIFT: "Deleterious"; PolyPhen-2: "Probably Damaging"; Align-GVGD: "Class C0"). In summary, the available evidence is currently insufficient to determine the role of this variant in disease. Therefore, it has been classified as a Variant of Uncertain Significance.

NM_006876.3(B4GAT1):c.780C>G (p.Phe260Leu)

Gene: B4GAT1 (beta-1,4-glucuronyltransferase 1; minus strand). Cytogenetic location: 11q13.2.
Variant type: single nucleotide variant.
Coding change: c.780C>G on transcript NM_006876.3 (MANE Select); coding-DNA position 780, C replaced by G.
Protein change: p.Phe260Leu; replaces phenylalanine 260 with leucine.
Molecular consequence: missense variant.
Genome position (GRCh38, 1-based): chr11:66,346,766, G>C on the plus strand (C>G on the coding strand, the complement: B4GAT1 is on the minus strand). VCF-style: chr11-66346766-G-C. GRCh37 (hg19) VCF-style: chr11-66114237-G-C.
Other names: short protein forms F260L.
Identifiers: ClinVar variation 1009820 (VCV001009820.6), dbSNP rs1319732212, ClinGen allele CA381417673.